The following is an entry in ClinVar:

ClinVar aggregate classification (germline): Uncertain significance (1 of 4 stars; one submission).

Allele frequency attached by ClinVar (database versions not stated): TOPMed below 0.00001; gnomAD exomes 0.00001.

Submission:

Ambry Genetics
Classification: Uncertain significance. Last evaluated: 2025-06-12. Review status: criteria provided, single submitter. Criteria: Ambry Variant Classification Scheme 2023. Collection method: clinical testing. Allele origin: germline.
Comment: The p.Q82R variant (also known as c.245A>G), located in coding exon 1 of the MLH3 gene, results from an A to G substitution at nucleotide position 245. The glutamine at codon 82 is replaced by arginine, an amino acid with highly similar properties. This amino acid position is conserved. In addition, this alteration is predicted to be tolerated by in silico analysis. Since supporting evidence is limited at this time, the clinical significance of this alteration remains unclear.

NM_001040108.2(MLH3):c.245A>G (p.Gln82Arg)

Gene: MLH3 (mutL homolog 3; minus strand). Cytogenetic location: 14q24.3.
Variant type: single nucleotide variant.
Coding change: c.245A>G on transcript NM_001040108.2 (MANE Select); coding-DNA position 245, A replaced by G.
Protein change: p.Gln82Arg; replaces glutamine 82 with arginine.
Molecular consequence: missense variant.
Genome position (GRCh38, 1-based): chr14:75,049,411, T>C on the plus strand (A>G on the coding strand, the complement: MLH3 is on the minus strand). VCF-style: chr14-75049411-T-C. GRCh37 (hg19) VCF-style: chr14-75516114-T-C.
Other names: c.245A>G, p.Gln82Arg (NM_014381.3); short protein forms Q82R.
Identifiers: ClinVar variation 2561676 (VCV002561676.3), dbSNP rs1398843008, ClinGen allele CA390451263.
Genomic context (GRCh38, chr14:75,049,411, plus strand): 5'-TCAGCAATATTTGCCAAGGCCTCTCCTCGGAAACCATAAAACCTTGGATTCTCCAAGTCC[T>C]GTACCGAGTGGCATTTACTGGTGAAATAACGATTTCCCACTTTCTCTACATCATCACTCC-3'
Protein context (NP_001035197.1, residues 72-92): RYFTSKCHSV[Gln82Arg]DLENPRFYGF